The following is an entry in ClinVar:

NM_001042492.3(NF1):c.7138C>T (p.Leu2380Phe)

Gene: NF1 (neurofibromin 1; plus strand). Cytogenetic location: 17q11.2.
Variant type: single nucleotide variant.
Coding change: c.7138C>T on transcript NM_001042492.3 (MANE Select); coding-DNA position 7138, C replaced by T.
Protein change: p.Leu2380Phe; replaces leucine 2380 with phenylalanine.
Molecular consequence: missense variant.
Genome position (GRCh38, 1-based): chr17:31,343,084, C>T. VCF-style: chr17-31343084-C-T. GRCh37 (hg19) VCF-style: chr17-29670102-C-T.
Other names: c.7075C>T, p.Leu2359Phe (NM_000267.4); short protein forms L2380F, L2359F.
Identifiers: ClinVar variation 863019 (VCV000863019.7), dbSNP rs2069868324, ClinGen allele CA399015674.
Genomic context (GRCh38, chr17:31,343,084, plus strand): 5'-TTTATGGCAATCCGGAATCCTCTGGAGTGGCACTGCAAGCAAATGGATCATTTTGTTGGA[C>T]TCAATTTCAACTCTAACTTTAACTTTGCATTGGTTGGACACCTTTTAAAAGGTAAAAAAG-3'
Protein context (NP_001035957.1, residues 2370-2390): HCKQMDHFVG[Leu2380Phe]NFNSNFNFAL

ClinVar aggregate classification (germline): Uncertain significance. Review status: criteria provided, multiple submitters, no conflicts (2 of 4 stars). 2 submissions from 2 submitters: Uncertain significance (2). Last evaluated 2025-11-05.

Conditions:
Neurofibromatosis, type 1 (NF1). Also called: Neurofibromatosis, type I; VON RECKLINGHAUSEN DISEASE; Peripheral type neurofibromatosis; NEUROFIBROMATOSIS, TYPE I, SOMATIC. Identifiers: Orphanet 636, MedGen C0027831, MONDO:0018975, OMIM 162200. Disease mechanism: loss of function.
Hereditary cancer-predisposing syndrome. Also called: Tumor predisposition; Hereditary Cancer Syndrome; Neoplastic Syndromes, Hereditary; Hereditary neoplastic syndrome. Identifiers: Orphanet 140162, MedGen C0027672, MeSH D009386, MONDO:0015356.
Cardiovascular phenotype. Identifiers: MedGen CN230736.

Submissions (2):

Ambry Genetics
Classification: Uncertain significance for Cardiovascular phenotype; Hereditary cancer-predisposing syndrome. Last evaluated: 2025-11-05. Review status: criteria provided, single submitter. Criteria: Ambry Variant Classification Scheme 2023. Collection method: clinical testing. Allele origin: germline.
Comment: The p.L2359F variant (also known as c.7075C>T), located in coding exon 47 of the NF1 gene, results from a C to T substitution at nucleotide position 7075. The leucine at codon 2359 is replaced by phenylalanine, an amino acid with highly similar properties. This amino acid position is highly conserved in available vertebrate species. In addition, the in silico prediction for this alteration is inconclusive. Based on the available evidence, the clinical significance of this variant remains unclear.

Labcorp Genetics (formerly Invitae), Labcorp
Classification: Uncertain significance for Neurofibromatosis, type 1. Last evaluated: 2019-01-20. Review status: criteria provided, single submitter. Criteria: Invitae Variant Classification Sherloc (09022015). Collection method: clinical testing. Allele origin: germline.
Comment: This sequence change replaces leucine with phenylalanine at codon 2359 of the NF1 protein (p.Leu2359Phe). The leucine residue is moderately conserved and there is a small physicochemical difference between leucine and phenylalanine. In summary, the available evidence is currently insufficient to determine the role of this variant in disease. Therefore, it has been classified as a Variant of Uncertain Significance. Algorithms developed to predict the effect of missense changes on protein structure and function are either unavailable or do not agree on the potential impact of this missense change (SIFT: "Deleterious"; PolyPhen-2: "Possibly Damaging"; Align-GVGD: "Class C0"). This variant has not been reported in the literature in individuals with NF1-related conditions. This variant is not present in population databases (ExAC no frequency).